The following is an entry in ClinVar:

ClinVar aggregate classification (germline): Uncertain significance (1 of 4 stars; one submission).

Submission:

Labcorp Genetics (formerly Invitae), Labcorp
Classification: Uncertain significance. Last evaluated: 2025-11-04. Review status: criteria provided, single submitter. Criteria: Invitae Variant Classification Sherloc (09022015). Collection method: clinical testing. Allele origin: germline.
Comment: This sequence change replaces arginine, which is basic and polar, with leucine, which is neutral and non-polar, at codon 83 of the THBD protein (p.Arg83Leu). This variant is not present in population databases (gnomAD no frequency). This variant has not been reported in the literature in individuals affected with THBD-related conditions. An algorithm developed to predict the effect of missense changes on protein structure and function (PolyPhen-2) suggests that this variant is likely to be tolerated. In summary, the available evidence is currently insufficient to determine the role of this variant in disease. Therefore, it has been classified as a Variant of Uncertain Significance.

NM_000361.3(THBD):c.248G>T (p.Arg83Leu)

Gene: THBD (thrombomodulin; minus strand). Cytogenetic location: 20p11.21.
Variant type: single nucleotide variant.
Coding change: c.248G>T on transcript NM_000361.3 (MANE Select); coding-DNA position 248, G replaced by T.
Protein change: p.Arg83Leu; replaces arginine 83 with leucine.
Molecular consequence: missense variant.
Genome position (GRCh38, 1-based): chr20:23,049,257, C>A on the plus strand (G>T on the coding strand, the complement: THBD is on the minus strand). VCF-style: chr20-23049257-C-A. GRCh37 (hg19) VCF-style: chr20-23029894-C-A.
Other names: short protein forms R83L.
Identifiers: ClinVar variation 4808166 (VCV004808166.1).